The following is an entry in ClinVar:

ClinVar aggregate classification (germline): Pathogenic. Review status: criteria provided, multiple submitters, no conflicts (2 of 4 stars). 2 submissions from 2 submitters: Pathogenic (2). Last evaluated 2022-05-22.

Conditions:
LAMA2-related muscular dystrophy (LAMA2-RD). Also called: Laminin alpha 2-related dystrophy. Identifiers: MedGen C5679788, MONDO:0100228.
Merosin deficient congenital muscular dystrophy (MDC1A). Also called: Congenital merosin-deficient muscular dystrophy 1A; Congenital Muscular Dystrophy Type 1A (MDC1A). Identifiers: Orphanet 258, MedGen C1263858, MONDO:0011925, OMIM 607855.

Submissions (2):

3billion
Classification: Pathogenic for Merosin deficient congenital muscular dystrophy. Last evaluated: 2022-05-22. Review status: criteria provided, single submitter. Criteria: ACMG Guidelines, 2015. Collection method: clinical testing. Allele origin: germline. Affected: yes. Observed: 1 homozygote.
Comment: The variant is not observed in the gnomAD v2.1.1 dataset. Frameshift: predicted to result in a loss or disruption of normal protein function through nonsense-mediated decay (NMD) or protein truncation. Multiple pathogenic variants are reported downstream of the variant. Therefore, this variant is classified as likely pathogenic according to the recommendation of ACMG/AMP guideline.

Labcorp Genetics (formerly Invitae), Labcorp
Classification: Pathogenic for LAMA2-related muscular dystrophy. Last evaluated: 2021-10-18. Review status: criteria provided, single submitter. Criteria: Invitae Variant Classification Sherloc (09022015). Collection method: clinical testing. Allele origin: germline.
Comment: For these reasons, this variant has been classified as Pathogenic. This variant has not been reported in the literature in individuals with LAMA2-related conditions. This variant is not present in population databases (ExAC no frequency). This sequence change creates a premature translational stop signal (p.Ile1296Alafs*3) in the LAMA2 gene. It is expected to result in an absent or disrupted protein product. Loss-of-function variants in LAMA2 are known to be pathogenic (PMID: 18700894).

Literature cited by the submitters: PubMed 18700894 (cited by Labcorp Genetics (formerly Invitae), Labcorp).

NM_000426.4(LAMA2):c.3886_3889del (p.Ile1296fs)

Gene: LAMA2 (laminin subunit alpha 2; plus strand). Cytogenetic location: 6q22.33.
Variant type: Deletion.
Coding change: c.3886_3889del on transcript NM_000426.4 (MANE Select); coding-DNA positions 3886 to 3889, 4 bases deleted (ATTG; older notation c.3886_3889delATTG).
Protein change: p.Ile1296fs; shifts the reading frame from isoleucine 1296.
Molecular consequence: frameshift variant.
Genome position (GRCh38, 1-based): chr6:129,315,912-129,315,915, ATTG deleted; deleting any 4 consecutive bases within chr6:129,315,910-129,315,915 gives the same sequence; the c. name uses the placement nearest the transcript's 3' end. VCF-style (leftmost placement, unchanged base first): chr6-129315909-CTGAT-C. GRCh37 (hg19) VCF-style: chr6-129637054-CTGAT-C.
Other names: c.3886_3889del, p.Ile1296fs (NM_001079823.2); short protein forms I1296fs.
Identifiers: ClinVar variation 1455775 (VCV001455775.7), dbSNP rs1774572282, ClinGen allele CA1663080754.
Genomic context (GRCh38, chr6:129,315,909, plus strand): 5'-ATCATTCGAGGTGGGACACCTACTCATGCTAGAATTATCGTCAGGCATATGGCTGCTCCT[CTGAT>C]TGGCCAATTGACAAGGCATGAAATTGAAATGACAGAGGTAAAGTTAGTCATTGTTTGGTG-3'